The following is an entry in ClinVar:

ClinVar aggregate classification (germline): Likely benign (3 of 4 stars; one submission).

Conditions:
Glanzmann thrombasthenia. Also called: BLEEDING DISORDER, PLATELET-TYPE, 2; THROMBASTHENIA OF GLANZMANN AND NAEGELI; PLATELET GLYCOPROTEIN IIb-IIIa DEFICIENCY; Glanzmann's thrombasthenia; Thrombasthenia. Identifiers: Orphanet 849, MedGen C0040015, MONDO:0100326.

Allele frequency attached by ClinVar (database versions not stated): TOPMed 0.00001.
gnomAD v4.1: 2 of 1,580,142 alleles (0.00013%); highest among the groups gnomAD compares: Admixed American, 0.0017%; no homozygotes.

Submission:

ClinGen Platelet Disorders Variant Curation Expert Panel, ClinGen
Classification: Likely benign for Glanzmann thrombasthenia. Last evaluated: 2025-02-18. Review status: reviewed by expert panel. Criteria: ClinGen Platelet ACMG Specifications v2-1. Collection method: curation. Allele origin: germline. Inheritance: Autosomal recessive inheritance.
Comment: This intronic variant, NM_000212.3(ITGB3):c.1125+29G>C occurs at an extremely low frequency; the overall allele frequency in gnomAD is 0.000003978 with an MAF of 0.00002891 in the Latino population (PM2_supporting), and to our knowledge, it has not been reported in the literature. The variant is predicted by SpliceAI to have no significant splicing motif alteration detected and the nucleotide is not highly conserved (PhyloP score 0.015; BP4, BP7). In summary, this variant meets the criteria to be classified as likely benign for autosomal recessive Glanzmann Thrombasthenia based on the ACMG/AMP criteria applied, as specified by the ClinGen PD VCEP: PM2_supporting, BP4, and BP7 (PD VCEP specifications version 2.1).

NM_000212.3(ITGB3):c.1125+29G>C

Gene: ITGB3 (integrin subunit beta 3; plus strand). Cytogenetic location: 17q21.32.
Variant type: single nucleotide variant.
Coding change: c.1125+29G>C on transcript NM_000212.3 (MANE Select); 29 bases into the intron after coding-DNA position 1125, G replaced by C.
Molecular consequence: intron variant.
Genome position (GRCh38, 1-based): chr17:47,290,303, G>C. VCF-style: chr17-47290303-G-C. GRCh37 (hg19) VCF-style: chr17-45367669-G-C.
Identifiers: ClinVar variation 953060 (VCV000953060.4), dbSNP rs16941829, ClinGen allele CA8623155.